The following is an entry in ClinVar:

ClinVar aggregate classification (germline): Uncertain significance (1 of 4 stars; one submission).

Conditions:
Breast-ovarian cancer, familial, susceptibility to, 4. Identifiers: Orphanet 145, MedGen C3280345, MONDO:0013669, OMIM 614291.

Allele frequency attached by ClinVar (database versions not stated): gnomAD exomes below 0.00001.
gnomAD v4.1: 2 of 1,611,834 alleles (0.00012%); highest among the groups gnomAD compares: Non-Finnish European, 0.00017%; no homozygotes.

Submission:

Labcorp Genetics (formerly Invitae), Labcorp
Classification: Uncertain significance for Breast-ovarian cancer, familial, susceptibility to, 4. Last evaluated: 2025-08-21. Review status: criteria provided, single submitter. Criteria: Invitae Variant Classification Sherloc (09022015). Collection method: clinical testing. Allele origin: germline.
Comment: This sequence change affects codon 27 of the RAD51D mRNA. It is a 'silent' change, meaning that it does not change the encoded amino acid sequence of the RAD51D protein. It affects a nucleotide within the consensus splice site. This variant is not present in population databases (gnomAD no frequency). This variant has not been reported in the literature in individuals affected with RAD51D-related conditions. ClinVar contains an entry for this variant (Variation ID: 1057281). Studies have shown that this variant is associated with altered splicing resulting in unknown protein product impact (internal data). In summary, the available evidence is currently insufficient to determine the role of this variant in disease. Therefore, it has been classified as a Variant of Uncertain Significance.

NM_002878.4(RAD51D):c.81A>G (p.Thr27=)

Genes: RAD51L3-RFFL (RAD51L3-RFFL readthrough; minus strand), RAD51D (RAD51 paralog D; minus strand). Cytogenetic location: 17q12.
Variant type: single nucleotide variant.
Coding change: c.81A>G on transcript NM_002878.4 (MANE Select); coding-DNA position 81, A replaced by G.
Protein change: p.Thr27=; no amino-acid change (threonine 27 retained).
Molecular consequence: synonymous variant. On other transcripts: non-coding transcript variant (2).
Genome position (GRCh38, 1-based): chr17:35,119,533, T>C on the plus strand (A>G on the coding strand, the complement: RAD51D is on the minus strand). VCF-style: chr17-35119533-T-C. GRCh37 (hg19) VCF-style: chr17-33446552-T-C.
Other names: c.81A>G, p.Thr27= (NM_001142571.2, NM_133629.3).
Identifiers: ClinVar variation 1057281 (VCV001057281.9), dbSNP rs2142480084, ClinGen allele CA499732489.